The following is an entry in ClinVar:

NM_001267550.2(TTN):c.3319G>A (p.Gly1107Ser)

Gene: TTN (titin; minus strand). Cytogenetic location: 2q31.2.
Variant type: single nucleotide variant.
Coding change: c.3319G>A on transcript NM_001267550.2 (MANE Select); coding-DNA position 3319, G replaced by A.
Protein change: p.Gly1107Ser; replaces glycine 1107 with serine.
Molecular consequence: missense variant.
Genome position (GRCh38, 1-based): chr2:178,782,273, C>T on the plus strand (G>A on the coding strand, the complement: TTN is on the minus strand). VCF-style: chr2-178782273-C-T. GRCh37 (hg19) VCF-style: chr2-179647000-C-T.
Other names: p.Gly1107Ser; c.3319G>A, p.Gly1107Ser (NM_001256850.1, NM_133378.4, NM_133379.5); c.3181G>A, p.Gly1061Ser (NM_003319.4, NM_133432.3, NM_133437.4); short protein forms G1107S, G1061S.
Identifiers: ClinVar variation 283106 (VCV000283106.13), dbSNP rs767741769, ClinGen allele CA2005584.
Genomic context (GRCh38, chr2:178,782,273, plus strand): 5'-TGTATCCAGTGGTTAGAGGAACACCAGATTTTTTCCAGTATACATGGGGCTTTGGGTTGC[C>T]GCCAACTTGGCATCCAAACACCACGCTCCCACCTTCCACCAGTTTCTGGACCACTGGTTT-3'
Protein context (NP_001254479.2, residues 1097-1117): GSVVFGCQVG[Gly1107Ser]NPKPHVYWKK

ClinVar aggregate classification (germline): Uncertain significance. Review status: criteria provided, multiple submitters, no conflicts (2 of 4 stars). 6 submissions from 6 submitters: Uncertain significance (6). Last evaluated 2026-09-21.

Conditions:
TTN-related disorder. Also called: TTN-related condition; TTN-related disease; TTN-related disorders.
Dilated cardiomyopathy 1G (CMD1G). Identifiers: Orphanet 154, MedGen C1858763, MONDO:0011400, OMIM 604145.
Autosomal recessive limb-girdle muscular dystrophy type 2J (LGMDR10). Also called: Limb-girdle muscular dystrophy, type 2J; MUSCULAR DYSTROPHY, LIMB-GIRDLE, AUTOSOMAL RECESSIVE 10. Identifiers: Orphanet 140922, MedGen C1837342, MONDO:0012127, OMIM 608807.

Allele frequency attached by ClinVar (database versions not stated): gnomAD exomes 0.00001 and 0.00002; ExAC 0.00003; gnomAD 0.00004; TOPMed 0.00006.
gnomAD v4.1: 22 of 1,613,952 alleles (0.0014%); highest among the groups gnomAD compares: Middle Eastern, 0.016%; no homozygotes.

Submissions (6):

PreventionGenetics, part of Exact Sciences
Classification: Uncertain significance for TTN-related condition. Last evaluated: 2026-09-21. Review status: criteria provided, single submitter. Criteria: ACMG Guidelines, 2015. Collection method: clinical testing. Allele origin: germline.
Comment: The TTN c.3319G>A variant is predicted to result in the amino acid substitution p.Gly1107Ser. To our knowledge, this variant has not been reported in the literature. This variant is reported in 0.0047% of alleles in individuals of European (Non-Finnish) descent in gnomAD. At this time, the clinical significance of this variant is uncertain due to the absence of conclusive functional and genetic evidence.

Mayo Clinic Laboratories, Mayo Clinic
Classification: Uncertain significance. Last evaluated: 2023-06-21. Review status: criteria provided, single submitter. Criteria: ACMG Guidelines, 2015. Collection method: clinical testing. Allele origin: germline. Observed: 1 variant allele.

Blueprint Genetics
Classification: Uncertain significance. Last evaluated: 2020-04-24. Review status: criteria provided, single submitter. Criteria: ACMG Guidelines, 2015. Collection method: clinical testing. Allele origin: germline.

Revvity Omics, Revvity
Classification: Uncertain significance. Last evaluated: 2019-02-28. Review status: criteria provided, single submitter. Criteria: ACMG Guidelines, 2015. Collection method: clinical testing. Allele origin: germline.

Labcorp Genetics (formerly Invitae), Labcorp
Classification: Uncertain significance for Dilated cardiomyopathy 1G; Autosomal recessive limb-girdle muscular dystrophy type 2J. Last evaluated: 2017-07-21. Review status: criteria provided, single submitter. Criteria: Invitae Variant Classification Sherloc (09022015). Collection method: clinical testing. Allele origin: germline.

Eurofins Ntd Llc (ga)
Classification: Uncertain significance. Last evaluated: 2015-09-08. Review status: criteria provided, single submitter. Criteria: EGL Classification Definitions 2015. Collection method: clinical testing. Allele origin: germline. Observed: 1 variant allele, 1 heterozygote.